The following is an entry in ClinVar:

ClinVar aggregate classification (germline): Uncertain significance (1 of 4 stars; one submission).

Conditions:
Erythrocytosis, familial, 3 (ECYT3). Identifiers: Orphanet 247511, MedGen C1853286, MONDO:0012353, OMIM 609820.

Allele frequency attached by ClinVar (database versions not stated): gnomAD exomes below 0.00001; TOPMed below 0.00001; ExAC 0.00001; gnomAD 0.00001.
gnomAD v4.1: 3 of 1,614,038 alleles (0.00019%); highest among the groups gnomAD compares: South Asian, 0.0022%; no homozygotes.

Submission:

Labcorp Genetics (formerly Invitae), Labcorp
Classification: Uncertain significance for Erythrocytosis, familial, 3. Last evaluated: 2023-12-29. Review status: criteria provided, single submitter. Criteria: Invitae Variant Classification Sherloc (09022015). Collection method: clinical testing. Allele origin: germline.
Comment: This sequence change replaces cysteine, which is neutral and slightly polar, with serine, which is neutral and polar, at codon 283 of the EGLN1 protein (p.Cys283Ser). This variant is present in population databases (rs751719158, gnomAD 0.003%). This variant has not been reported in the literature in individuals affected with EGLN1-related conditions. An algorithm developed to predict the effect of missense changes on protein structure and function (PolyPhen-2) suggests that this variant is likely to be tolerated. In summary, the available evidence is currently insufficient to determine the role of this variant in disease. Therefore, it has been classified as a Variant of Uncertain Significance.

NM_022051.3(EGLN1):c.848G>C (p.Cys283Ser)

Genes: EGLN1 (egl-9 family hypoxia inducible factor 1; minus strand), LOC129932769 (ATAC-STARR-seq lymphoblastoid active region 2730; plus strand). Cytogenetic location: 1q42.2.
Variant type: single nucleotide variant.
Coding change: c.848G>C on transcript NM_022051.3 (MANE Select); coding-DNA position 848, G replaced by C.
Protein change: p.Cys283Ser; replaces cysteine 283 with serine.
Molecular consequence: missense variant.
Genome position (GRCh38, 1-based): chr1:231,421,041, C>G on the plus strand (G>C on the coding strand, the complement: EGLN1 is on the minus strand). VCF-style: chr1-231421041-C-G. GRCh37 (hg19) VCF-style: chr1-231556787-C-G.
Other names: c.848G>C, p.Cys283Ser (NM_001377260.1, NM_001377261.1); short protein forms C283S.
Identifiers: ClinVar variation 2876425 (VCV002876425.3), dbSNP rs751719158, ClinGen allele CA1453094.